The following is an entry in ClinVar:

NM_006392.4(NOP56):c.1367C>T (p.Ala456Val)

Gene: NOP56 (NOP56 ribonucleoprotein; plus strand). Cytogenetic location: 20p13.
Variant type: single nucleotide variant.
Coding change: c.1367C>T on transcript NM_006392.4 (MANE Select); coding-DNA position 1367, C replaced by T.
Protein change: p.Ala456Val; replaces alanine 456 with valine.
Molecular consequence: missense variant. On other transcripts: non-coding transcript variant (2).
Genome position (GRCh38, 1-based): chr20:2,657,166, C>T. VCF-style: chr20-2657166-C-T. GRCh37 (hg19) VCF-style: chr20-2637812-C-T.
Other names: short protein forms A456V.
Identifiers: ClinVar variation 3041846 (VCV003041846.2), dbSNP rs74685243, ClinGen allele CA9734821.
Genomic context (GRCh38, chr20:2,657,166, plus strand): 5'-CTAGGAAGCTGGAGAAACAGGAGAAGAAACGCTTAAAGAAGGAAAAGAAACGGCTGGCTG[C>T]ACTTGCCCTCGCGTCTTCAGAAAACAGCAGTAGTACTCCAGAGGAGTGTGAGGTCAGTAG-3'
Protein context (NP_006383.2, residues 446-466): RLKKEKKRLA[Ala456Val]LALASSENSS

ClinVar aggregate classification (germline): Benign (0 of 4 stars; one submission).

Conditions:
NOP56-related disorder. Also called: NOP56-related condition.

Allele frequency attached by ClinVar (database versions not stated): gnomAD exomes 0.00108; ExAC 0.00332; gnomAD 0.01023; 1000 Genomes Project 0.01178; TOPMed 0.01232; ESP Exome Variant Server 0.01299; 1000 Genomes Project 30x 0.01374.
gnomAD v4.1: 3,202 of 1,614,146 alleles (0.2%); highest among the groups gnomAD compares: African/African-American, 3.8%; 64 homozygotes.

Submission:

PreventionGenetics, part of Exact Sciences
Classification: Benign for NOP56-related condition. Last evaluated: 2019-08-15. Review status: no assertion criteria provided. Collection method: clinical testing. Allele origin: germline.
Comment: This variant is classified as benign based on ACMG/AMP sequence variant interpretation guidelines (Richards et al. 2015 PMID: 25741868, with internal and published modifications).